The following is an entry in ClinVar:

ClinVar aggregate classification (germline): Pathogenic. Review status: criteria provided, multiple submitters, no conflicts (2 of 4 stars). 3 submissions from 3 submitters: Pathogenic (3). Last evaluated 2025-03-27.

Conditions:
Cardiovascular phenotype. Identifiers: MedGen CN230736.
Hereditary cancer-predisposing syndrome. Also called: Tumor predisposition; Neoplastic Syndromes, Hereditary; Hereditary Cancer Syndrome; Hereditary neoplastic syndrome. Identifiers: Orphanet 140162, MedGen C0027672, MeSH D009386, MONDO:0015356.
Noonan syndrome 10 (NS10). Identifiers: Orphanet 648, MedGen C4225280, MONDO:0014693, OMIM 616564.

Submissions (3):

Ambry Genetics
Classification: Pathogenic for Cardiovascular phenotype; Hereditary cancer-predisposing syndrome. Last evaluated: 2025-03-27. Review status: criteria provided, single submitter. Criteria: Ambry Variant Classification Scheme 2023. Collection method: clinical testing. Allele origin: germline.
Comment: The c.1360delG pathogenic mutation, located in coding exon 13 of the LZTR1 gene, results from a deletion of one nucleotide at nucleotide position 1360, causing a translational frameshift with a predicted alternate stop codon (p.E454Sfs*7). This alteration is expected to result in loss of function by premature protein truncation or nonsense-mediated mRNA decay. This variant is considered to be rare based on population cohorts in the Genome Aggregation Database (gnomAD). Loss-of-function variants in LZTR1 are related to an increased risk for schwannomas and autosomal recessive Noonan syndrome; however, such associations with autosomal dominant Noonan syndrome have not been observed (Piotrowski A et al. Nat Genet. 2014 Feb;46:182-7; Yamamoto GL et al. J Med Genet. 2015 Jun;52:413-21; Johnston JJ et al. Genet Med. 2018 10;20:1175-1185). Based on the supporting evidence, this variant is pathogenic for an increased risk of LZTR1-related schwannomatosis (SWN) and would be expected to cause autosomal recessive Noonan syndrome when present along with a second pathogenic or likely pathogenic variant on the other allele; however, the association of this alteration with autosomal dominant Noonan syndrome is unlikely.

Labcorp Genetics (formerly Invitae), Labcorp
Classification: Pathogenic. Last evaluated: 2023-02-18. Review status: criteria provided, single submitter. Criteria: Invitae Variant Classification Sherloc (09022015). Collection method: clinical testing. Allele origin: germline.
Comment: This sequence change creates a premature translational stop signal (p.Glu454Serfs*7) in the LZTR1 gene. It is expected to result in an absent or disrupted protein product. Loss-of-function variants in LZTR1 are known to be pathogenic (PMID: 24362817, 25335493, 25480913, 25795793, 29469822, 30368668, 30442762, 30442766, 30481304, 30859559). This variant is not present in population databases (gnomAD no frequency). This variant has not been reported in the literature in individuals affected with LZTR1-related conditions. For these reasons, this variant has been classified as Pathogenic.

University Health Network, Familial Cancer Clinic, Princess Margaret Cancer Centre
Classification: Pathogenic for Noonan syndrome 10. Review status: criteria provided, single submitter. Criteria: ACMG Guidelines, 2015. Collection method: clinical testing. Allele origin: germline. Inheritance: Autosomal dominant inheritance. Affected: no. Observed: 1 variant allele.

Literature cited by the submitters: PubMed 24362817 (cited by Labcorp Genetics (formerly Invitae), Labcorp); PubMed 25335493 (cited by Labcorp Genetics (formerly Invitae), Labcorp); PubMed 25480913 (cited by Labcorp Genetics (formerly Invitae), Labcorp); PubMed 25795793 (cited by Labcorp Genetics (formerly Invitae), Labcorp); PubMed 29469822 (cited by Labcorp Genetics (formerly Invitae), Labcorp); PubMed 30368668 (cited by Labcorp Genetics (formerly Invitae), Labcorp); PubMed 30442762 (cited by Labcorp Genetics (formerly Invitae), Labcorp); PubMed 30442766 (cited by Labcorp Genetics (formerly Invitae), Labcorp); PubMed 30481304 (cited by Labcorp Genetics (formerly Invitae), Labcorp); PubMed 30859559 (cited by Labcorp Genetics (formerly Invitae), Labcorp).

NM_006767.4(LZTR1):c.1360del (p.Glu454fs)

Gene: LZTR1 (leucine zipper like post translational regulator 1; plus strand). Cytogenetic location: 22q11.21.
Variant type: Deletion.
Coding change: c.1360del on transcript NM_006767.4 (MANE Select); coding-DNA position 1360, one base deleted (G; older notation c.1360delG).
Protein change: p.Glu454fs; shifts the reading frame from glutamic acid 454.
Molecular consequence: frameshift variant.
Genome position (GRCh38, 1-based): chr22:20,993,930, G deleted; the last of 2 consecutive G bases (chr22:20,993,929-20,993,930); deleting either gives the same sequence. VCF-style (leftmost placement, unchanged base first): chr22-20993928-AG-A. GRCh37 (hg19) VCF-style: chr22-21348217-AG-A.
Other names: c.1360delG (NM_006767.3); short protein forms E454fs.
Identifiers: ClinVar variation 2838651 (VCV002838651.5), dbSNP rs2518620365, ClinGen allele CA2739267821.